The following is an entry in ClinVar:

NM_017672.6(TRPM7):c.3542A>G (p.Tyr1181Cys)

Gene: TRPM7 (transient receptor potential cation channel subfamily M member 7; minus strand). Cytogenetic location: 15q21.2.
Variant type: single nucleotide variant.
Coding change: c.3542A>G on transcript NM_017672.6 (MANE Select); coding-DNA position 3542, A replaced by G.
Protein change: p.Tyr1181Cys; replaces tyrosine 1181 with cysteine.
Molecular consequence: missense variant. On other transcripts: non-coding transcript variant (3).
Genome position (GRCh38, 1-based): chr15:50,593,683, T>C on the plus strand (A>G on the coding strand, the complement: TRPM7 is on the minus strand). VCF-style: chr15-50593683-T-C. GRCh37 (hg19) VCF-style: chr15-50885880-T-C.
Other names: c.3542A>G, p.Tyr1181Cys (NM_001301212.2); short protein forms Y1181C.
Identifiers: ClinVar variation 1801023 (VCV001801023.1), dbSNP rs1240819732, ClinGen allele CA392401943.

ClinVar aggregate classification (germline): Uncertain significance (1 of 4 stars; one submission).

Submission:

GeneDx
Classification: Uncertain significance. Last evaluated: 2022-05-23. Review status: criteria provided, single submitter. Criteria: GeneDx Variant Classification Process June 2021. Collection method: clinical testing. Allele origin: germline. Affected: yes.
Comment: Not observed at significant frequency in large population cohorts (gnomAD); In silico analysis supports that this missense variant has a deleterious effect on protein structure/function; Has not been previously published as pathogenic or benign to our knowledge; Variants in candidate genes are classified as variants of uncertain significance in accordance with ACMG guidelines (Richards et al., 2015)